The following is an entry in ClinVar:

ClinVar aggregate classification (germline): Uncertain significance. Review status: criteria provided, multiple submitters, no conflicts (2 of 4 stars). 3 submissions from 3 submitters: Uncertain significance (3). Last evaluated 2023-11-24.

Conditions:
Hereditary cancer-predisposing syndrome. Also called: Neoplastic Syndromes, Hereditary; Tumor predisposition; Hereditary Cancer Syndrome; Hereditary neoplastic syndrome. Identifiers: Orphanet 140162, MedGen C0027672, MeSH D009386, MONDO:0015356.
Familial cancer of breast. Also called: BREAST CANCER, FAMILIAL; Hereditary breast cancer; hereditary breast carcinoma. Identifiers: Orphanet 227535, MedGen C0346153, MONDO:0016419, OMIM 114480. Disease mechanism: loss of function.

Allele frequency attached by ClinVar (database versions not stated): gnomAD exomes below 0.00001; ExAC 0.00001; gnomAD 0.00001; 1000 Genomes Project 30x 0.00016; 1000 Genomes Project 0.00020.

Submissions (3):

Labcorp Genetics (formerly Invitae), Labcorp
Classification: Uncertain significance for Familial cancer of breast. Last evaluated: 2023-11-24. Review status: criteria provided, single submitter. Criteria: Invitae Variant Classification Sherloc (09022015). Collection method: clinical testing. Allele origin: germline.
Comment: This sequence change falls in intron 3 of the CHEK2 gene. It does not directly change the encoded amino acid sequence of the CHEK2 protein. It affects a nucleotide within the consensus splice site. This variant is present in population databases (rs189961251, gnomAD 0.007%). This variant has not been reported in the literature in individuals affected with CHEK2-related conditions. ClinVar contains an entry for this variant (Variation ID: 141186). Variants that disrupt the consensus splice site are a relatively common cause of aberrant splicing (PMID: 17576681, 9536098). RNA analysis provides insufficient evidence to determine the effect of this variant on CHEK2 splicing (Invitae). In summary, the available evidence is currently insufficient to determine the role of this variant in disease. Therefore, it has been classified as a Variant of Uncertain Significance.

Ambry Genetics
Classification: Uncertain significance for Hereditary cancer-predisposing syndrome. Last evaluated: 2022-11-30. Review status: criteria provided, single submitter. Criteria: Ambry Variant Classification Scheme 2023. Collection method: clinical testing. Allele origin: germline.
Comment: The c.444+5G>A intronic variant results from a G to A substitution 5 nucleotides after coding exon 2 in the CHEK2 gene. This nucleotide position is highly conserved in available vertebrate species. In silico splice site analysis predicts that this alteration may weaken the native splice donor site and will result in the creation or strengthening of a novel splice donor site. Since supporting evidence is limited at this time, the clinical significance of this alteration remains unclear.

Baylor Genetics
Classification: Uncertain significance for Familial cancer of breast. Last evaluated: 2022-02-21. Review status: criteria provided, single submitter. Criteria: ACMG Guidelines, 2015. Collection method: clinical testing. Allele origin: unknown.

Literature cited by the submitters: PubMed 17576681 (cited by Labcorp Genetics (formerly Invitae), Labcorp); PubMed 9536098 (cited by Labcorp Genetics (formerly Invitae), Labcorp).

NM_007194.4(CHEK2):c.444+5G>A

Gene: CHEK2 (checkpoint kinase 2; minus strand). Cytogenetic location: 22q12.1.
Variant type: single nucleotide variant.
Coding change: c.444+5G>A on transcript NM_007194.4 (MANE Select); 5 bases into the intron after coding-DNA position 444, G replaced by A.
Molecular consequence: intron variant.
Genome position (GRCh38, 1-based): chr22:28,725,238, C>T on the plus strand (G>A on the coding strand, the complement: CHEK2 is on the minus strand). VCF-style: chr22-28725238-C-T. GRCh37 (hg19) VCF-style: chr22-29121226-C-T.
Other names: c.-220+5G>A (NM_001437942.1); c.444+5G>A (NM_001349956.3, NM_145862.3); c.-334+5G>A (NM_001257387.3); c.537+5G>A (NM_001438295.1, NM_001438293.1); c.573+5G>A (NM_001438294.1, NM_001005735.3).
Identifiers: ClinVar variation 141186 (VCV000141186.14), dbSNP rs189961251, ClinGen allele CA164709.